The following is an entry in ClinVar:

ClinVar aggregate classification (germline): Conflicting classifications of pathogenicity. Review status: criteria provided, conflicting classifications (1 of 4 stars). 2 submissions from 2 submitters: Uncertain significance (1); Likely benign (1). Last evaluated 2025-06-01.

Conditions:
Inborn genetic diseases. Identifiers: MedGen C0950123, MeSH D030342.

gnomAD v4.1: 26 of 1,614,070 alleles (0.0016%); highest among the groups gnomAD compares: Non-Finnish European, 0.0022%; no homozygotes.

Submissions (2):

CeGaT Center for Human Genetics Tuebingen
Classification: Likely benign. Last evaluated: 2025-06-01. Review status: criteria provided, single submitter. Criteria: CeGaT Center For Human Genetics Tuebingen Variant Classification Criteria Version 2. Collection method: clinical testing. Allele origin: germline. Affected: yes. Observed: 1 variant allele.
Comment: UBAP1: BP1, BP4

Ambry Genetics
Classification: Uncertain significance for Inborn genetic diseases. Last evaluated: 2024-12-06. Review status: criteria provided, single submitter. Criteria: Ambry Variant Classification Scheme 2023. Collection method: clinical testing. Allele origin: germline.

NM_016525.5(UBAP1):c.902C>T (p.Ser301Phe)

Gene: UBAP1 (ubiquitin associated protein 1; plus strand). Cytogenetic location: 9p13.3.
Variant type: single nucleotide variant.
Coding change: c.902C>T on transcript NM_016525.5 (MANE Select); coding-DNA position 902, C replaced by T.
Protein change: p.Ser301Phe; replaces serine 301 with phenylalanine.
Molecular consequence: missense variant. On other transcripts: non-coding transcript variant (1).
Genome position (GRCh38, 1-based): chr9:34,241,927, C>T. VCF-style: chr9-34241927-C-T. GRCh37 (hg19) VCF-style: chr9-34241925-C-T.
Other names: c.1094C>T, p.Ser365Phe (NM_001171201.1); c.1010C>T, p.Ser337Phe (NM_001171202.1); c.902C>T, p.Ser301Phe (NM_001171203.3, NM_001171204.3); short protein forms S301F, S337F, S365F.
Identifiers: ClinVar variation 3464984 (VCV003464984.11).